The following is an entry in ClinVar:

ClinVar aggregate classification (germline): Benign/Likely benign. Review status: criteria provided, multiple submitters, no conflicts (2 of 4 stars). 2 submissions from 2 submitters: Benign (1); Likely benign (1). Last evaluated 2018-12-24.

Conditions:
Idiopathic basal ganglia calcification 1 (PFBC1A). Also called: Familial Idiopathic Basal Ganglia Calcification 2; Familial Idiopathic Basal Ganglia Calcification 3; Primary Familial Brain Calcification; PRIMARY FAMILIAL BRAIN CALCIFICATION 1A, AUTOSOMAL DOMINANT; Fahr's syndrome; Cerebral calcification nonarteriosclerotic idiopathic adult-onset. Identifiers: Orphanet 1980, MedGen C4551624, MONDO:0024538, OMIM 213600.

Allele frequency attached by ClinVar (database versions not stated): 1000 Genomes Project 0.00659; 1000 Genomes Project 30x 0.00750; gnomAD 0.00585 and 0.00560; gnomAD exomes 0.00069; TOPMed 0.00599.
gnomAD v4.1: 1,601 of 1,194,120 alleles (0.13%); highest among the groups gnomAD compares: African/African-American, 2%; 15 homozygotes.

Submissions (4):

GeneDx
Classification: Likely benign. Last evaluated: 2018-12-24. Review status: criteria provided, single submitter. Criteria: GeneDx Variant Classification Process June 2021. Collection method: clinical testing. Allele origin: germline. Affected: yes.

Illumina Laboratory Services, Illumina
Classification: Benign for Idiopathic basal ganglia calcification 1. Last evaluated: 2018-01-13. Review status: criteria provided, single submitter. Criteria: ICSL Variant Classification Criteria 13 December 2019. Collection method: clinical testing. Allele origin: germline.
Comment: This variant was observed in the ICSL laboratory as part of a predisposition screen in an ostensibly healthy population. It had not been previously curated by ICSL or reported in the Human Gene Mutation Database (HGMD: prior to June 1st, 2018), and was therefore a candidate for classification through an automated scoring system. Utilizing variant allele frequency, disease prevalence and penetrance estimates, and inheritance mode, an automated score was calculated to assess if this variant is too frequent to cause the disease. Based on the score and internal cut-off values, a variant classified as benign is not then subjected to further curation. The score for this variant resulted in a classification of benign for this disease.

Dr. Peter K. Rogan Lab, Western University
No classification provided (evidence only). Condition: Uterine corpus endometrial carcinoma. Review status: no classification provided. Collection method: in vitro. Allele origin: not applicable. Functional consequence: retained intron. Not counted in ClinVar's aggregate classification.

Dr. Peter K. Rogan Lab, Western University
No classification provided (evidence only). Condition: Ovarian serous cystadenocarcinoma. Review status: no classification provided. Collection method: in vitro. Allele origin: not applicable. Functional consequence: retained intron. Not counted in ClinVar's aggregate classification.

NM_001257180.2(SLC20A2):c.*112G>T

Gene: SLC20A2 (solute carrier family 20 member 2; minus strand). Cytogenetic location: 8p11.21.
Variant type: single nucleotide variant.
Coding change: c.*112G>T on transcript NM_001257180.2 (MANE Select); 112 bases downstream of the stop codon, G replaced by T.
Molecular consequence: 3 prime UTR variant.
Genome position (GRCh38, 1-based): chr8:42,417,691, C>A on the plus strand (G>T on the coding strand, the complement: SLC20A2 is on the minus strand). VCF-style: chr8-42417691-C-A. GRCh37 (hg19) VCF-style: chr8-42275209-C-A.
Other names: NC_000008.10:g.42275209C>A; c.*112G>T (NM_001257181.2, NM_006749.5).
Identifiers: ClinVar variation 363066 (VCV000363066.9), dbSNP rs114729286, ClinGen allele CA10631088.